The following is an entry in ClinVar:

NM_000718.4(CACNA1B):c.5122A>G (p.Met1708Val)

Gene: CACNA1B (calcium voltage-gated channel subunit alpha1 B; plus strand). Cytogenetic location: 9q34.3.
Variant type: single nucleotide variant.
Coding change: c.5122A>G on transcript NM_000718.4 (MANE Select); coding-DNA position 5122, A replaced by G.
Protein change: p.Met1708Val; replaces methionine 1708 with valine.
Molecular consequence: missense variant.
Genome position (GRCh38, 1-based): chr9:138,096,511, A>G. VCF-style: chr9-138096511-A-G. GRCh37 (hg19) VCF-style: chr9-140990963-A-G.
Other names: c.5122A>G, p.Met1708Val (NM_001243812.2); short protein forms M1708V.
Identifiers: ClinVar variation 1971748 (VCV001971748.5), dbSNP rs2539551059, ClinGen allele CA375812015.

ClinVar aggregate classification (germline): Uncertain significance (1 of 4 stars; one submission).

Submission:

Labcorp Genetics (formerly Invitae), Labcorp
Classification: Uncertain significance. Last evaluated: 2022-05-19. Review status: criteria provided, single submitter. Criteria: Invitae Variant Classification Sherloc (09022015). Collection method: clinical testing. Allele origin: germline.
Comment: In summary, the available evidence is currently insufficient to determine the role of this variant in disease. Therefore, it has been classified as a Variant of Uncertain Significance. Algorithms developed to predict the effect of missense changes on protein structure and function are either unavailable or do not agree on the potential impact of this missense change (SIFT: "Deleterious"; PolyPhen-2: "Benign"; Align-GVGD: "Class C15"). This variant has not been reported in the literature in individuals affected with CACNA1B-related conditions. This variant is not present in population databases (gnomAD no frequency). This sequence change replaces methionine, which is neutral and non-polar, with valine, which is neutral and non-polar, at codon 1708 of the CACNA1B protein (p.Met1708Val).